The following is an entry in ClinVar:

ClinVar aggregate classification (germline): Uncertain significance. Review status: criteria provided, multiple submitters, no conflicts (2 of 4 stars). 2 submissions from 2 submitters: Uncertain significance (2). Last evaluated 2025-07-03.

Conditions:
Hereditary cancer-predisposing syndrome. Also called: Hereditary neoplastic syndrome; Neoplastic Syndromes, Hereditary; Hereditary Cancer Syndrome; Tumor predisposition. Identifiers: Orphanet 140162, MedGen C0027672, MeSH D009386, MONDO:0015356.

Submissions (2):

Ambry Genetics
Classification: Uncertain significance for Hereditary cancer-predisposing syndrome. Last evaluated: 2025-07-03. Review status: criteria provided, single submitter. Criteria: Ambry Variant Classification Scheme 2023. Collection method: clinical testing. Allele origin: germline.
Comment: The p.R1371G variant (also known as c.4111C>G), located in coding exon 32 of the POLE gene, results from a C to G substitution at nucleotide position 4111. The arginine at codon 1371 is replaced by glycine, an amino acid with dissimilar properties. This amino acid position is well conserved in available vertebrate species. In addition, this alteration is predicted to be tolerated by in silico analysis. Based on the available evidence, the clinical significance of this variant remains unclear.

Labcorp Genetics (formerly Invitae), Labcorp
Classification: Uncertain significance. Last evaluated: 2021-01-14. Review status: criteria provided, single submitter. Criteria: Invitae Variant Classification Sherloc (09022015). Collection method: clinical testing. Allele origin: germline.
Comment: This sequence change replaces arginine with glycine at codon 1371 of the POLE protein (p.Arg1371Gly). The arginine residue is moderately conserved and there is a moderate physicochemical difference between arginine and glycine. This variant is not present in population databases (ExAC no frequency). This variant has not been reported in the literature in individuals with POLE-related conditions. Algorithms developed to predict the effect of missense changes on protein structure and function are either unavailable or do not agree on the potential impact of this missense change (SIFT: "Deleterious"; PolyPhen-2: "Possibly Damaging"; Align-GVGD: "Class C15"). In summary, the available evidence is currently insufficient to determine the role of this variant in disease. Therefore, it has been classified as a Variant of Uncertain Significance.

NM_006231.4(POLE):c.4111C>G (p.Arg1371Gly)

Gene: POLE (DNA polymerase epsilon, catalytic subunit; minus strand). Cytogenetic location: 12q24.33.
Variant type: single nucleotide variant.
Coding change: c.4111C>G on transcript NM_006231.4 (MANE Select); coding-DNA position 4111, C replaced by G.
Protein change: p.Arg1371Gly; replaces arginine 1371 with glycine.
Molecular consequence: missense variant.
Genome position (GRCh38, 1-based): chr12:132,648,967, G>C on the plus strand (C>G on the coding strand, the complement: POLE is on the minus strand). VCF-style: chr12-132648967-G-C. GRCh37 (hg19) VCF-style: chr12-133225553-G-C.
Other names: c.4111C>G (NM_006231.2); short protein forms R1371G.
Identifiers: ClinVar variation 1487206 (VCV001487206.9), dbSNP rs151278283, ClinGen allele CA387383686.
Genomic context (GRCh38, chr12:132,648,967, plus strand): 5'-GGCAGCACCAGCTCCTCCCTACCTTGCGATACGAAGCACCCTCCTCCGCTTTAGCGACTC[G>C]CTGGTTCACGTAGAACACACGGGGGATGCTCAGCCTGATGCAGTGCAAGTCACTGCCAAC-3'
Protein context (NP_006222.2, residues 1361-1381): SIPRVFYVNQ[Arg1371Gly]VAKAEEGASY